The following is an entry in ClinVar:

NM_000038.6(APC):c.8001_8003del (p.Asn2668del)

Gene: APC (APC regulator of Wnt signaling pathway; plus strand). Cytogenetic location: 5q22.2.
Variant type: Deletion.
Coding change: c.8001_8003del on transcript NM_000038.6 (MANE Select); coding-DNA positions 8001 to 8003, 3 bases deleted (CAA; older notation c.8001_8003delCAA).
Protein change: p.Asn2668del; deletes asparagine 2668.
Molecular consequence: inframe deletion. On other transcripts: inframe indel (20).
Genome position (GRCh38, 1-based): chr5:112,843,595-112,843,597, CAA deleted; deleting any 3 consecutive bases within chr5:112,843,593-112,843,597 gives the same sequence; the c. name uses the placement nearest the transcript's 3' end. VCF-style (leftmost placement, unchanged base first): chr5-112843592-TAAC-T. GRCh37 (hg19) VCF-style: chr5-112179289-TAAC-T.
Other names: c.8001_8003del, p.Asn2668del (NM_001127510.3, NM_001354895.2); c.7947_7949del, p.Asn2650del (NM_001127511.3); c.8055_8057del, p.Asn2686del (NM_001354896.2); c.8031_8033del, p.Asn2678del (NM_001354897.2); c.7926_7928del, p.Asn2643del (NM_001354898.2); c.7917_7919del, p.Asn2640del (NM_001354899.2); c.7878_7880del, p.Asn2627del (NM_001354900.2); c.7824_7826del, p.Asn2609del (NM_001354901.2); and 18 more; short protein forms N2508del, N2539del, N2542del, N2640del, N2650del, N2658del, N2696del, N2284del.
Identifiers: ClinVar variation 1761613 (VCV001761613.8), dbSNP rs2533836365, ClinGen allele CA2580072453.

ClinVar aggregate classification (germline): Uncertain significance. Review status: criteria provided, multiple submitters, no conflicts (2 of 4 stars). 4 submissions from 4 submitters: Uncertain significance (4). Last evaluated 2025-07-02.

Conditions:
Hereditary cancer-predisposing syndrome. Also called: Neoplastic Syndromes, Hereditary; Tumor predisposition; Hereditary Cancer Syndrome; Hereditary neoplastic syndrome. Identifiers: Orphanet 140162, MedGen C0027672, MeSH D009386, MONDO:0015356.
Familial adenomatous polyposis 1 (FAP1). Also called: FAMILIAL ADENOMATOUS POLYPOSIS 1, ATTENUATED; POLYPOSIS, ADENOMATOUS INTESTINAL. Identifiers: MedGen C2713442, MONDO:0021056, OMIM 175100. Disease mechanism: loss of function.

Submissions (4):

Color Diagnostics, LLC DBA Color Health
Classification: Uncertain significance for Hereditary cancer-predisposing syndrome. Last evaluated: 2025-07-02. Review status: criteria provided, single submitter. Criteria: ACMG Guidelines, 2015. Collection method: clinical testing. Allele origin: germline.
Comment: This variant causes a single amino acid deletion in exon 16 of the APC gene. To our knowledge, functional studies have not been reported for this variant. This variant has not been reported in individuals affected with APC-related disorders in the literature. This variant has not been identified in the general population by the Genome Aggregation Database (gnomAD). The available evidence is insufficient to determine the role of this variant in disease conclusively. Therefore, this variant is classified as a Variant of Uncertain Significance.

Ambry Genetics
Classification: Uncertain significance for Hereditary cancer-predisposing syndrome. Last evaluated: 2025-01-16. Review status: criteria provided, single submitter. Criteria: Ambry Variant Classification Scheme 2023. Collection method: clinical testing. Allele origin: germline.
Comment: The c.8001_8003delCAA variant (also known as p.N2668del) is located in coding exon 15 of the APC gene. This variant results from an in-frame CAA deletion at nucleotide positions 8001 to 8003. This results in the in-frame deletion of an asparagine at codon 2668. This alteration has been observed in at least one individual with a personal and/or family history that is consistent with APC-related disease (Ambry internal data). This amino acid position is highly conserved in available vertebrate species. In addition, the in silico prediction for this alteration is inconclusive (Choi Y et al. PLoS ONE. 2012; 7(10):e46688). Since supporting evidence is limited at this time, the clinical significance of this alteration remains unclear.

GeneDx
Classification: Uncertain significance. Last evaluated: 2024-03-08. Review status: criteria provided, single submitter. Criteria: GeneDx Variant Classification Process June 2021. Collection method: clinical testing. Allele origin: germline. Affected: yes.
Comment: In-frame deletion of 1 amino acid in a non-repeat region; Not observed at significant frequency in large population cohorts (gnomAD); Has not been previously published as pathogenic or benign to our knowledge; In silico analysis supports a deleterious effect on protein structure/function; This variant is associated with the following publications: (PMID: 18199528)

Labcorp Genetics (formerly Invitae), Labcorp
Classification: Uncertain significance for Familial adenomatous polyposis 1. Last evaluated: 2022-12-14. Review status: criteria provided, single submitter. Criteria: Invitae Variant Classification Sherloc (09022015). Collection method: clinical testing. Allele origin: germline.
Comment: ClinVar contains an entry for this variant (Variation ID: 1761613). In summary, the available evidence is currently insufficient to determine the role of this variant in disease. Therefore, it has been classified as a Variant of Uncertain Significance. Experimental studies and prediction algorithms are not available or were not evaluated, and the functional significance of this variant is currently unknown. This variant has not been reported in the literature in individuals affected with APC-related conditions. This variant is not present in population databases (gnomAD no frequency). This variant, c.8001_8003del, results in the deletion of 1 amino acid(s) of the APC protein (p.Asn2668del), but otherwise preserves the integrity of the reading frame.